The following is an entry in ClinVar:

NM_000125.4(ESR1):c.261G>C (p.Ala87=)

Gene: ESR1 (estrogen receptor 1; plus strand). Cytogenetic location: 6q25.1.
Variant type: single nucleotide variant.
Coding change: c.261G>C on transcript NM_000125.4 (MANE Select); coding-DNA position 261, G replaced by C.
Protein change: p.Ala87=; no amino-acid change (alanine 87 retained).
Molecular consequence: synonymous variant.
Genome position (GRCh38, 1-based): chr6:151,808,173, G>C. VCF-style: chr6-151808173-G-C. GRCh37 (hg19) VCF-style: chr6-152129308-G-C.
Other names: c.261G>C, p.Ala87= (NM_001122740.2, NM_001122741.2, NM_001122742.2 and 7 more transcripts).
Identifiers: ClinVar variation 1180284 (VCV001180284.4), dbSNP rs746432, ClinGen allele CA4052129.

ClinVar aggregate classification (germline): Benign. Review status: criteria provided, single submitter (1 of 4 stars). 2 submissions from 2 submitters: Benign (1). 1 of the submissions does not count toward it. Last evaluated 2018-10-26.

Conditions:
ESR1-related disorder. Also called: ESR1-related condition.

Allele frequency attached by ClinVar (database versions not stated): 1000 Genomes Project 30x 0.03763; 1000 Genomes Project 0.03874; ESP Exome Variant Server 0.06013; gnomAD exomes 0.06587 and 0.08051; gnomAD 0.06854 and 0.07091; ExAC 0.09824.
gnomAD v4.1: 125,373 of 1,584,942 alleles (7.9%); highest among the groups gnomAD compares: Non-Finnish European, 8.9%; 5,621 homozygotes.

Submissions (2):

GeneDx
Classification: Benign. Last evaluated: 2018-10-26. Review status: criteria provided, single submitter. Criteria: GeneDx Variant Classification Process June 2021. Collection method: clinical testing. Allele origin: germline. Affected: yes.
Comment: This variant is associated with the following publications: (PMID: 26585143, 28815558, 24607813)

PreventionGenetics, part of Exact Sciences
Classification: Benign for ESR1-related condition. Last evaluated: 2019-05-31. Review status: no assertion criteria provided. Collection method: clinical testing. Allele origin: germline. Not counted in ClinVar's aggregate classification.
Comment: This variant is classified as benign based on ACMG/AMP sequence variant interpretation guidelines (Richards et al. 2015 PMID: 25741868, with internal and published modifications).